The following is an entry in ClinVar:

ClinVar aggregate classification (germline): Uncertain significance (1 of 4 stars; one submission).

Conditions:
Emery-Dreifuss muscular dystrophy 4, autosomal dominant (EDMD4). Also called: EMERY-DREIFUSS MUSCULAR DYSTROPHY 4 WITH VARIABLE FEATURES. Identifiers: Orphanet 261, MedGen C2751807, MONDO:0013071, OMIM 612998.
Autosomal recessive ataxia, Beauce type. Also called: Spinocerebellar ataxia, autosomal recessive 8; ATAXIA, RECESSIVE, OF BEAUCE; SYNE1-Related Autosomal Recessive Cerebellar Ataxia; SYNE1 Deficiency. Identifiers: Orphanet 88644, MedGen C1853116, MONDO:0012549, OMIM 610743.

Allele frequency attached by ClinVar (database versions not stated): gnomAD exomes below 0.00001.
gnomAD v4.1: 2 of 1,614,250 alleles (0.00012%); highest among the groups gnomAD compares: Admixed American, 0.0033%; no homozygotes.

Submission:

Labcorp Genetics (formerly Invitae), Labcorp
Classification: Uncertain significance for Emery-Dreifuss muscular dystrophy 4, autosomal dominant; Autosomal recessive ataxia, Beauce type. Last evaluated: 2025-02-17. Review status: criteria provided, single submitter. Criteria: Invitae Variant Classification Sherloc (09022015). Collection method: clinical testing. Allele origin: germline.
Comment: This sequence change replaces glutamic acid, which is acidic and polar, with glutamine, which is neutral and polar, at codon 5749 of the SYNE1 protein (p.Glu5749Gln). This variant is present in population databases (no rsID available, gnomAD 0.003%). This variant has not been reported in the literature in individuals affected with SYNE1-related conditions. ClinVar contains an entry for this variant (Variation ID: 838521). An algorithm developed to predict the effect of missense changes on protein structure and function (PolyPhen-2) suggests that this variant is likely to be disruptive. In summary, the available evidence is currently insufficient to determine the role of this variant in disease. Therefore, it has been classified as a Variant of Uncertain Significance.

NM_182961.4(SYNE1):c.17458G>C (p.Glu5820Gln)

Genes: SYNE1 (spectrin repeat containing nuclear envelope protein 1; minus strand), LOC129997480 (ATAC-STARR-seq lymphoblastoid active region 25287; plus strand). Cytogenetic location: 6q25.2.
Variant type: single nucleotide variant.
Coding change: c.17458G>C on transcript NM_182961.4 (MANE Select); coding-DNA position 17458, G replaced by C.
Protein change: p.Glu5820Gln; replaces glutamic acid 5820 with glutamine.
Molecular consequence: missense variant.
Genome position (GRCh38, 1-based): chr6:152,301,952, C>G on the plus strand (G>C on the coding strand, the complement: SYNE1 is on the minus strand). VCF-style: chr6-152301952-C-G. GRCh37 (hg19) VCF-style: chr6-152623087-C-G.
Other names: c.17245G>C, p.Glu5749Gln (NM_033071.5); short protein forms E5820Q, E5749Q.
Identifiers: ClinVar variation 838521 (VCV000838521.8), dbSNP rs918895767, ClinGen allele CA150198434.